The following is an entry in ClinVar:

NM_024757.5(EHMT1):c.2614G>A (p.Gly872Arg)

Gene: EHMT1 (euchromatic histone lysine methyltransferase 1; plus strand). Cytogenetic location: 9q34.3.
Variant type: single nucleotide variant.
Coding change: c.2614G>A on transcript NM_024757.5 (MANE Select); coding-DNA position 2614, G replaced by A.
Protein change: p.Gly872Arg; replaces glycine 872 with arginine.
Molecular consequence: missense variant.
Genome position (GRCh38, 1-based): chr9:137,800,886, G>A. VCF-style: chr9-137800886-G-A. GRCh37 (hg19) VCF-style: chr9-140695338-G-A.
Other names: c.2614G>A (NM_024757.4); c.2593G>A, p.Gly865Arg (NM_001354263.2); short protein forms G872R, G865R.
Identifiers: ClinVar variation 1378903 (VCV001378903.10), dbSNP rs1270766408, ClinGen allele CA375788715.

ClinVar aggregate classification (germline): Conflicting classifications of pathogenicity. Review status: criteria provided, conflicting classifications (1 of 4 stars). 2 submissions from 2 submitters: Pathogenic (1); Uncertain significance (1). Last evaluated 2025-11-24.

Conditions:
Kleefstra syndrome 1 (KLEFS1). Identifiers: Orphanet 261494, MedGen C0795833, MONDO:0027407, OMIM 610253.

Allele frequency attached by ClinVar (database versions not stated): TOPMed below 0.00001.

Submissions (2):

GeneDx
Classification: Pathogenic. Last evaluated: 2025-11-24. Review status: criteria provided, single submitter. Criteria: GeneDx Variant Classification Process June 2021. Collection method: clinical testing. Allele origin: germline.
Comment: Not observed at significant frequency in large population cohorts (gnomAD); In silico analysis supports that this missense variant has a deleterious effect on protein structure/function; Has not been previously published as pathogenic or benign to our knowledge

Labcorp Genetics (formerly Invitae), Labcorp
Classification: Uncertain significance for Kleefstra syndrome 1. Last evaluated: 2023-09-05. Review status: criteria provided, single submitter. Criteria: Invitae Variant Classification Sherloc (09022015). Collection method: clinical testing. Allele origin: germline.
Comment: This variant has not been reported in the literature in individuals affected with EHMT1-related conditions. This sequence change replaces glycine, which is neutral and non-polar, with arginine, which is basic and polar, at codon 872 of the EHMT1 protein (p.Gly872Arg). This variant is not present in population databases (gnomAD no frequency). ClinVar contains an entry for this variant (Variation ID: 1378903). Advanced modeling of protein sequence and biophysical properties (such as structural, functional, and spatial information, amino acid conservation, physicochemical variation, residue mobility, and thermodynamic stability) performed at Invitae indicates that this missense variant is expected to disrupt EHMT1 protein function. In summary, the available evidence is currently insufficient to determine the role of this variant in disease. Therefore, it has been classified as a Variant of Uncertain Significance.